The following is an entry in ClinVar:

NM_002334.4(LRP4):c.4727C>G (p.Thr1576Ser)

Genes: LRP4 (LDL receptor related protein 4; minus strand), LRP4-AS1 (LRP4 antisense RNA 1; plus strand). Cytogenetic location: 11p11.2.
Variant type: single nucleotide variant.
Coding change: c.4727C>G on transcript NM_002334.4 (MANE Select); coding-DNA position 4727, C replaced by G.
Protein change: p.Thr1576Ser; replaces threonine 1576 with serine.
Molecular consequence: missense variant.
Genome position (GRCh38, 1-based): chr11:46,869,098, G>C on the plus strand (C>G on the coding strand, the complement: LRP4 is on the minus strand). VCF-style: chr11-46869098-G-C. GRCh37 (hg19) VCF-style: chr11-46890649-G-C.
Other names: short protein forms T1576S.
Identifiers: ClinVar variation 1413698 (VCV001413698.6), dbSNP rs2134778058, ClinGen allele CA380264279.

ClinVar aggregate classification (germline): Uncertain significance (1 of 4 stars; one submission).

Conditions:
Sclerosteosis 2 (SOST2). Identifiers: Orphanet 3152, MedGen C3280402, MONDO:0013679, OMIM 614305.
Cenani-Lenz syndactyly syndrome. Also called: CENANI SYNDACTYLISM; SYNDACTYLY, TYPE VII. Identifiers: Orphanet 3258, MedGen C1859309, MONDO:0008931, OMIM 212780.
Congenital myasthenic syndrome 17. Identifiers: Orphanet 590, MedGen C4225377, MONDO:0014578, OMIM 616304.

Allele frequency attached by ClinVar (database versions not stated): gnomAD exomes 0.00001.
gnomAD v4.1: 9 of 1,614,170 alleles (0.00056%); highest among the groups gnomAD compares: Non-Finnish European, 0.00068%; no homozygotes.

Submission:

Labcorp Genetics (formerly Invitae), Labcorp
Classification: Uncertain significance for Cenani-Lenz syndactyly syndrome; Sclerosteosis 2; Congenital myasthenic syndrome 17. Last evaluated: 2021-12-15. Review status: criteria provided, single submitter. Criteria: Invitae Variant Classification Sherloc (09022015). Collection method: clinical testing. Allele origin: germline.
Comment: In summary, the available evidence is currently insufficient to determine the role of this variant in disease. Therefore, it has been classified as a Variant of Uncertain Significance. Algorithms developed to predict the effect of missense changes on protein structure and function are either unavailable or do not agree on the potential impact of this missense change (SIFT: "Deleterious"; PolyPhen-2: "Benign"; Align-GVGD: "Class C55"). This variant has not been reported in the literature in individuals affected with LRP4-related conditions. This variant is not present in population databases (gnomAD no frequency). This sequence change replaces threonine, which is neutral and polar, with serine, which is neutral and polar, at codon 1576 of the LRP4 protein (p.Thr1576Ser).